The following is an entry in ClinVar:

NM_000271.5(NPC1):c.-36A>C

Gene: NPC1 (NPC intracellular cholesterol transporter 1; minus strand). Cytogenetic location: 18q11.2.
Variant type: single nucleotide variant.
Coding change: c.-36A>C on transcript NM_000271.5 (MANE Select); 36 bases upstream of the start codon, A replaced by C.
Molecular consequence: 5 prime UTR variant.
Genome position (GRCh38, 1-based): chr18:23,586,379, T>G on the plus strand (A>C on the coding strand, the complement: NPC1 is on the minus strand). VCF-style: chr18-23586379-T-G. GRCh37 (hg19) VCF-style: chr18-21166343-T-G.
Identifiers: ClinVar variation 326284 (VCV000326284.7), dbSNP rs750622739, ClinGen allele CA8913850.

ClinVar aggregate classification (germline): Uncertain significance. Review status: criteria provided, single submitter (1 of 4 stars). 2 submissions from 2 submitters: Uncertain significance (1). 1 of the submissions does not count toward it. Last evaluated 2018-01-13.

Conditions:
NPC1-related disorder. Also called: NPC1-related condition.
Niemann-Pick disease, type C1. Also called: NIEMANN-PICK DISEASE, VARIANT TYPE C1; NEUROVISCERAL STORAGE DISEASE WITH VERTICAL SUPRANUCLEAR OPHTHALMOPLEGIA; NIEMANN-PICK DISEASE WITH CHOLESTEROL ESTERIFICATION BLOCK; NIEMANN-PICK DISEASE WITHOUT SPHINGOMYELINASE DEFICIENCY; NIEMANN-PICK DISEASE, CHRONIC NEURONOPATHIC FORM. Identifiers: Orphanet 646, MedGen C3179455, MONDO:0009757, OMIM 257220.

Allele frequency attached by ClinVar (database versions not stated): ExAC 0.00009; gnomAD exomes 0.00022; TOPMed 0.00022; gnomAD 0.00029 and 0.00031.
gnomAD v4.1: 409 of 1,530,734 alleles (0.027%); highest among the groups gnomAD compares: Non-Finnish European, 0.032%; no homozygotes.

Submissions (2):

Illumina Laboratory Services, Illumina
Classification: Uncertain significance for Niemann-Pick disease type C1. Last evaluated: 2018-01-13. Review status: criteria provided, single submitter. Criteria: ICSL Variant Classification Criteria 13 December 2019. Collection method: clinical testing. Allele origin: germline.

PreventionGenetics, part of Exact Sciences
Classification: Likely benign for NPC1-related condition. Last evaluated: 2022-03-01. Review status: no assertion criteria provided. Collection method: clinical testing. Allele origin: germline. Not counted in ClinVar's aggregate classification.
Comment: This variant is classified as likely benign based on ACMG/AMP sequence variant interpretation guidelines (Richards et al. 2015 PMID: 25741868, with internal and published modifications).